The following is an entry in ClinVar:

ClinVar aggregate classification (germline): Benign. Review status: criteria provided, multiple submitters, no conflicts (2 of 4 stars). 2 submissions from 2 submitters: Benign (2). Last evaluated 2018-06-14.

Allele frequency attached by ClinVar (database versions not stated): gnomAD 0.01592 and 0.01572; ExAC 0.01649; 1000 Genomes Project 0.01917; 1000 Genomes Project 30x 0.02014; gnomAD exomes 0.02066 and 0.00751; ESP Exome Variant Server 0.00830; TOPMed 0.02213.
gnomAD v4.1: 13,598 of 1,613,614 alleles (0.84%); highest among the groups gnomAD compares: Admixed American, 9.4%; 373 homozygotes.

Submissions (2):

GeneDx
Classification: Benign. Last evaluated: 2018-06-14. Review status: criteria provided, single submitter. Criteria: GeneDx Variant Classification (06012015). Collection method: clinical testing. Allele origin: germline. Affected: yes.
Comment: This variant is considered likely benign or benign based on one or more of the following criteria: it is a conservative change, it occurs at a poorly conserved position in the protein, it is predicted to be benign by multiple in silico algorithms, and/or has population frequency not consistent with disease.

Breakthrough Genomics
Classification: Benign. Review status: criteria provided, single submitter. Criteria: ACMG Guidelines, 2015. Collection method: not provided. Allele origin: germline. Inheritance: Autosomal dominant inheritance. Affected: yes.

NM_000141.5(FGFR2):c.1288-23G>C

Gene: FGFR2 (fibroblast growth factor receptor 2; minus strand). Cytogenetic location: 10q26.13.
Variant type: single nucleotide variant.
Coding change: c.1288-23G>C on transcript NM_000141.5 (MANE Select); 23 bases into the intron before coding-DNA position 1288, G replaced by C.
Molecular consequence: intron variant.
Genome position (GRCh38, 1-based): chr10:121,503,964, C>G on the plus strand (G>C on the coding strand, the complement: FGFR2 is on the minus strand). VCF-style: chr10-121503964-C-G. GRCh37 (hg19) VCF-style: chr10-123263478-C-G.
Other names: c.952-23G>C (NM_001144914.1); c.937-23G>C (NM_001144918.2, NM_001441091.1); c.943-23G>C (NM_001441090.1, NM_001144916.2); c.1015-23G>C (NM_001441089.1); c.1021-23G>C (NM_023029.3, NM_001144915.2); c.1018-23G>C (NM_001441088.1); c.940-23G>C (NM_001144917.2); c.1282-23G>C (NM_001320658.2); and 4 more.
Identifiers: ClinVar variation 675995 (VCV000675995.2), dbSNP rs3135774, ClinGen allele CA5720788.